The following is an entry in ClinVar:

NM_024529.5(CDC73):c.307+5G>T

Gene: CDC73 (cell division cycle 73; plus strand). Cytogenetic location: 1q31.2.
Variant type: single nucleotide variant.
Coding change: c.307+5G>T on transcript NM_024529.5 (MANE Select); 5 bases into the intron after coding-DNA position 307, G replaced by T.
Molecular consequence: intron variant.
Genome position (GRCh38, 1-based): chr1:193,130,248, G>T. VCF-style: chr1-193130248-G-T. GRCh37 (hg19) VCF-style: chr1-193099378-G-T.
Identifiers: ClinVar variation 1450290 (VCV001450290.8), dbSNP rs2103117996, ClinGen allele CA2573131351.

ClinVar aggregate classification (germline): Uncertain significance (1 of 4 stars; one submission).

Conditions:
Parathyroid carcinoma (PRTC). Also called: Parathyroid gland carcinoma; CDC73-Related Parathyroid Carcinoma. Identifiers: Orphanet 143, MedGen C0687150, MONDO:0012004, OMIM 608266, HP:0006780.

Submission:

Labcorp Genetics (formerly Invitae), Labcorp
Classification: Uncertain significance for Parathyroid carcinoma. Last evaluated: 2020-10-29. Review status: criteria provided, single submitter. Criteria: Invitae Variant Classification Sherloc (09022015). Collection method: clinical testing. Allele origin: germline.
Comment: This variant has been observed in individual(s) with clinical features of hyperparathyroidism-jaw tumor syndrome (PMID: 21652691). In summary, the available evidence is currently insufficient to determine the role of this variant in disease. Therefore, it has been classified as a Variant of Uncertain Significance. Nucleotide substitutions within the consensus splice site are a relatively common cause of aberrant splicing (PMID: 17576681, 9536098). Algorithms developed to predict the effect of sequence changes on RNA splicing suggest that this variant may disrupt the consensus splice site, but this prediction has not been confirmed by published transcriptional studies. This variant is not present in population databases (ExAC no frequency). This sequence change falls in intron 3 of the CDC73 gene. It does not directly change the encoded amino acid sequence of the CDC73 protein. It affects a nucleotide within the consensus splice site of the intron.

Literature cited by the submitters: PubMed 21652691; PubMed 17576681; PubMed 9536098.